The following is an entry in ClinVar:

ClinVar aggregate classification (germline): Benign. Review status: criteria provided, multiple submitters, no conflicts (2 of 4 stars). 3 submissions from 3 submitters: Benign (3). Last evaluated 2024-07-31.

Allele frequency attached by ClinVar (database versions not stated): 1000 Genomes Project 0.13039; TOPMed 0.12332.

Submissions (3):

Unidad de Genómica Garrahan, Hospital de Pediatría Garrahan
Classification: Benign. Last evaluated: 2024-07-31. Review status: criteria provided, single submitter. Criteria: ACMG Guidelines, 2015. Collection method: clinical testing. Allele origin: germline. Affected: no. Observed: 30 variant alleles.
Comment: This variant is classified as Benign based on local population frequency. This variant was detected in 32% of patients studied in a panel designed for Epileptic and Developmental Encephalopathy, Progressive Myoclonus Epilepsy and Abnormal Movements and Neurodegeneration with brain iron accumulation. Number of patients: 30. Only high quality variants are reported.

GeneDx
Classification: Benign. Last evaluated: 2018-07-09. Review status: criteria provided, single submitter. Criteria: GeneDx Variant Classification Process June 2021. Collection method: clinical testing. Allele origin: germline. Affected: yes.

Breakthrough Genomics
Classification: Benign. Review status: criteria provided, single submitter. Criteria: ACMG Guidelines, 2015. Collection method: not provided. Allele origin: germline. Inheritance: Autosomal recessive inheritance. Affected: yes.

NM_032409.3(PINK1):c.388-65C>G

Gene: PINK1 (PTEN induced kinase 1; plus strand). Cytogenetic location: 1p36.12.
Variant type: single nucleotide variant.
Coding change: c.388-65C>G on transcript NM_032409.3 (MANE Select); 65 bases into the intron before coding-DNA position 388, C replaced by G.
Molecular consequence: intron variant.
Genome position (GRCh38, 1-based): chr1:20,637,777, C>G. VCF-style: chr1-20637777-C-G. GRCh37 (hg19) VCF-style: chr1-20964270-C-G.
Identifiers: ClinVar variation 1268407 (VCV001268407.4), dbSNP rs2298297, ClinGen allele CA18989856.